The following is an entry in ClinVar:

ClinVar aggregate classification (germline): Uncertain significance (1 of 4 stars; one submission).

Conditions:
Charcot-Marie-Tooth disease dominant intermediate C (CMTDIC). Also called: CHARCOT-MARIE-TOOTH NEUROPATHY, DOMINANT INTERMEDIATE C. Identifiers: Orphanet 100045, MedGen C1842237, MONDO:0012012, OMIM 608323.

Allele frequency attached by ClinVar (database versions not stated): gnomAD exomes below 0.00001.
gnomAD v4.1: 1 of 1,614,104 alleles (0.000062%); highest among the groups gnomAD compares: East Asian, 0.0022%; no homozygotes.

Submission:

Labcorp Genetics (formerly Invitae), Labcorp
Classification: Uncertain significance for Charcot-Marie-Tooth disease dominant intermediate C. Last evaluated: 2017-10-22. Review status: criteria provided, single submitter. Criteria: Invitae Variant Classification Sherloc (09022015). Collection method: clinical testing. Allele origin: germline.
Comment: Experimental studies and prediction algorithms are not available for this variant, and the functional significance of the deleted amino acids is currently unknown. In summary, the available evidence is currently insufficient to determine the role of this variant in disease. Therefore, it has been classified as a Variant of Uncertain Significance. This variant has not been reported in the literature in individuals with YARS-related disease. This variant is not present in population databases (ExAC no frequency). This sequence change results in a premature translational stop signal in the YARS gene (p.Trp505*). While this is not anticipated to result in nonsense mediated decay, it is expected to delete the last 24 amino acids of the YARS protein.

NM_003680.4(YARS1):c.1514G>A (p.Trp505Ter)

Gene: YARS1 (tyrosyl-tRNA synthetase 1; minus strand). Cytogenetic location: 1p35.1.
Variant type: single nucleotide variant.
Coding change: c.1514G>A on transcript NM_003680.4 (MANE Select); coding-DNA position 1514, G replaced by A.
Protein change: p.Trp505Ter; replaces tryptophan 505 with a stop codon.
Molecular consequence: nonsense.
Genome position (GRCh38, 1-based): chr1:32,776,054, C>T on the plus strand (G>A on the coding strand, the complement: YARS1 is on the minus strand). VCF-style: chr1-32776054-C-T. GRCh37 (hg19) VCF-style: chr1-33241655-C-T.
Other names: short protein forms W505*.
Identifiers: ClinVar variation 533458 (VCV000533458.8), dbSNP rs1553122276, ClinGen allele CA339678832.